The following is an entry in ClinVar:

NM_006208.3(ENPP1):c.*1348T>C

Gene: ENPP1 (ectonucleotide pyrophosphatase/phosphodiesterase 1; plus strand). Cytogenetic location: 6q23.2.
Variant type: single nucleotide variant.
Coding change: c.*1348T>C on transcript NM_006208.3 (MANE Select); 1348 bases downstream of the stop codon, T replaced by C.
Molecular consequence: 3 prime UTR variant.
Genome position (GRCh38, 1-based): chr6:131,891,859, T>C. VCF-style: chr6-131891859-T-C. GRCh37 (hg19) VCF-style: chr6-132212999-T-C.
Identifiers: ClinVar variation 355390 (VCV000355390.5), dbSNP rs9483349, ClinGen allele CA10622954.

ClinVar aggregate classification (germline): Benign. Review status: criteria provided, single submitter (1 of 4 stars). 2 submissions from 1 submitter: Benign (2). Last evaluated 2018-01-13.

Conditions:
Arterial calcification, generalized, of infancy, 1 (GACI1). Also called: Idiopathic Infantile Arterial Calcification. Identifiers: Orphanet 51608, MedGen C4551985, MONDO:0008817, OMIM 208000.
Hypophosphatemic rickets, autosomal recessive, 2 (ARHR2). Identifiers: Orphanet 289176, MedGen C2750078, MONDO:0013219, OMIM 613312.

Allele frequency attached by ClinVar (database versions not stated): 1000 Genomes Project 0.03734; 1000 Genomes Project 30x 0.03951; gnomAD 0.04353 and 0.04649; TOPMed 0.04966.

Submissions (2):

Illumina Laboratory Services, Illumina
Classification: Benign for Arterial calcification, generalized, of infancy, 1. Last evaluated: 2018-01-13. Review status: criteria provided, single submitter. Criteria: ICSL Variant Classification Criteria 13 December 2019. Collection method: clinical testing. Allele origin: germline.
Comment: This variant was observed in the ICSL laboratory as part of a predisposition screen in an ostensibly healthy population. It had not been previously curated by ICSL or reported in the Human Gene Mutation Database (HGMD: prior to June 1st, 2018), and was therefore a candidate for classification through an automated scoring system. Utilizing variant allele frequency, disease prevalence and penetrance estimates, and inheritance mode, an automated score was calculated to assess if this variant is too frequent to cause the disease. Based on the score and internal cut-off values, a variant classified as benign is not then subjected to further curation. The score for this variant resulted in a classification of benign for this disease.

Illumina Laboratory Services, Illumina
Classification: Benign for Hypophosphatemic rickets, autosomal recessive, 2. Last evaluated: 2018-01-13. Review status: criteria provided, single submitter. Criteria: ICSL Variant Classification Criteria 13 December 2019. Collection method: clinical testing. Allele origin: germline.
Comment: the same text as in the submission from Illumina Laboratory Services, Illumina above.